The following is an entry in ClinVar:

NM_145178.4(ATOH7):c.272C>G (p.Ala91Gly)

Gene: ATOH7 (atonal bHLH transcription factor 7; minus strand). Cytogenetic location: 10q21.3.
Variant type: single nucleotide variant.
Coding change: c.272C>G on transcript NM_145178.4 (MANE Select); coding-DNA position 272, C replaced by G.
Protein change: p.Ala91Gly; replaces alanine 91 with glycine.
Molecular consequence: missense variant.
Genome position (GRCh38, 1-based): chr10:68,231,406, G>C on the plus strand (C>G on the coding strand, the complement: ATOH7 is on the minus strand). VCF-style: chr10-68231406-G-C. GRCh37 (hg19) VCF-style: chr10-69991163-G-C.
Other names: short protein forms A91G.
Identifiers: ClinVar variation 1025759 (VCV001025759.10), dbSNP rs139387078, ClinGen allele CA376835797.

ClinVar aggregate classification (germline): Uncertain significance (1 of 4 stars; one submission).

Submission:

Labcorp Genetics (formerly Invitae), Labcorp
Classification: Uncertain significance. Last evaluated: 2022-09-26. Review status: criteria provided, single submitter. Criteria: Invitae Variant Classification Sherloc (09022015). Collection method: clinical testing. Allele origin: germline.
Comment: This variant is not present in population databases (gnomAD no frequency). This sequence change replaces alanine, which is neutral and non-polar, with glycine, which is neutral and non-polar, at codon 91 of the ATOH7 protein (p.Ala91Gly). This variant has not been reported in the literature in individuals affected with ATOH7-related conditions. ClinVar contains an entry for this variant (Variation ID: 1025759). Algorithms developed to predict the effect of missense changes on protein structure and function (SIFT, PolyPhen-2, Align-GVGD) all suggest that this variant is likely to be disruptive. In summary, the available evidence is currently insufficient to determine the role of this variant in disease. Therefore, it has been classified as a Variant of Uncertain Significance.